The following is an entry in ClinVar:

NM_001330078.2(NRXN1):c.3490G>C (p.Val1164Leu)

Gene: NRXN1 (neurexin 1; minus strand). Cytogenetic location: 2p16.3.
Variant type: single nucleotide variant.
Coding change: c.3490G>C on transcript NM_001330078.2 (MANE Select); coding-DNA position 3490, G replaced by C.
Protein change: p.Val1164Leu; replaces valine 1164 with leucine.
Molecular consequence: missense variant.
Genome position (GRCh38, 1-based): chr2:50,236,845, C>G on the plus strand (G>C on the coding strand, the complement: NRXN1 is on the minus strand). VCF-style: chr2-50236845-C-G. GRCh37 (hg19) VCF-style: chr2-50463983-C-G.
Other names: c.3463G>C, p.Val1155Leu (NM_001330085.2); c.3490G>C, p.Val1164Leu (NM_001330086.2, NM_004801.6); c.3379G>C, p.Val1127Leu (NM_001330087.2, NM_001330096.2); c.3409G>C, p.Val1137Leu (NM_001330088.2); c.385G>C, p.Val129Leu (NM_001330091.2, NM_001330092.2, NM_001330097.2 and 1 more transcripts); c.3487G>C, p.Val1163Leu (NM_001330093.2); c.3478G>C, p.Val1160Leu (NM_001330094.2); c.3439G>C, p.Val1147Leu (NM_001330095.2); and 3 more; short protein forms V1164L, V1204L, V1137L, V1147L, V1160L, V1127L, V1156L, V1163L.
Identifiers: ClinVar variation 3714458 (VCV003714458.2).

ClinVar aggregate classification (germline): Uncertain significance (1 of 4 stars; one submission).

Conditions:
Pitt-Hopkins-like syndrome 2 (PTHSL2). Identifiers: Orphanet 221150, Orphanet 600663, MedGen C3280479, MONDO:0013690, OMIM 614325.

Submission:

Labcorp Genetics (formerly Invitae), Labcorp
Classification: Uncertain significance for Pitt-Hopkins-like syndrome 2. Last evaluated: 2024-10-16. Review status: criteria provided, single submitter. Criteria: Invitae Variant Classification Sherloc (09022015). Collection method: clinical testing. Allele origin: germline.
Comment: This sequence change replaces valine, which is neutral and non-polar, with leucine, which is neutral and non-polar, at codon 1204 of the NRXN1 protein (p.Val1204Leu). This variant is not present in population databases (gnomAD no frequency). This variant has not been reported in the literature in individuals affected with NRXN1-related conditions. Invitae Evidence Modeling of protein sequence and biophysical properties (such as structural, functional, and spatial information, amino acid conservation, physicochemical variation, residue mobility, and thermodynamic stability) indicates that this missense variant is not expected to disrupt NRXN1 protein function with a negative predictive value of 80%. In summary, the available evidence is currently insufficient to determine the role of this variant in disease. Therefore, it has been classified as a Variant of Uncertain Significance.